The following is an entry in ClinVar:

ClinVar aggregate classification (germline): Uncertain significance (1 of 4 stars; one submission).

Allele frequency attached by ClinVar (database versions not stated): ExAC 0.00001.

Submission:

Labcorp Genetics (formerly Invitae), Labcorp
Classification: Uncertain significance. Last evaluated: 2023-10-15. Review status: criteria provided, single submitter. Criteria: Invitae Variant Classification Sherloc (09022015). Collection method: clinical testing. Allele origin: germline.
Comment: This sequence change falls in intron 2 of the RPL27 gene. It does not directly change the encoded amino acid sequence of the RPL27 protein. This variant is present in population databases (rs758763079, gnomAD 0.01%). This variant has not been reported in the literature in individuals affected with RPL27-related conditions. In summary, the available evidence is currently insufficient to determine the role of this variant in disease. Therefore, it has been classified as a Variant of Uncertain Significance.

NM_000988.5(RPL27):c.81+7G>C

Genes: RPL27 (ribosomal protein L27; plus strand), LOC126862570 (CDK7 strongly-dependent group 2 enhancer GRCh37_chr17:41149993-41151192; plus strand). Cytogenetic location: 17q21.31.
Variant type: single nucleotide variant.
Coding change: c.81+7G>C on transcript NM_000988.5 (MANE Select); 7 bases into the intron after coding-DNA position 81, G replaced by C.
Molecular consequence: intron variant.
Genome position (GRCh38, 1-based): chr17:42,998,838, G>C. VCF-style: chr17-42998838-G-C. GRCh37 (hg19) VCF-style: chr17-41150855-G-C.
Other names: c.81+7G>C (NM_001349921.2, NM_001349922.2).
Identifiers: ClinVar variation 2805202 (VCV002805202.3), dbSNP rs758763079, ClinGen allele CA8588895.
Genomic context (GRCh38, chr17:42,998,838, plus strand): 5'-GTGGTGCTTGTCCTGGCTGGACGCTACTCCGGACGCAAAGCTGTCATCGTGAAGGTATCA[G>C]CCTCGCGGGACTCTGCGTCCTTGCATGCCGGGACCAGGCTGGCTGCGGCGGGGCGGGCAG-3'